The following is an entry in ClinVar:

ClinVar aggregate classification (germline): not provided (0 of 4 stars; one submission).

Conditions:
Familial cold autoinflammatory syndrome 1 (FCAS1). Also called: CRYOPYRIN-ASSOCIATED PERIODIC SYNDROME 1; Familial cold inflammatory syndrome 1. Identifiers: Orphanet 47045, MedGen C4551895, MONDO:0007349, OMIM 120100.

Submission:

Unité médicale des maladies autoinflammatoires, CHRU Montpellier
No classification provided. Condition: Familial cold urticaria. Review status: no classification provided. Collection method: not provided. Allele origin: unknown.
Comment: also involved in OMIM 191900 and 607115

NM_001243133.2(NLRP3):c.2129C>G (p.Ser710Cys)

Gene: NLRP3 (NLR family pyrin domain containing 3; plus strand). Cytogenetic location: 1q44.
Variant type: single nucleotide variant.
Coding change: c.2129C>G on transcript NM_001243133.2 (MANE Select); coding-DNA position 2129, C replaced by G.
Protein change: p.Ser710Cys; replaces serine 710 with cysteine.
Molecular consequence: missense variant.
Genome position (GRCh38, 1-based): chr1:247,425,578, C>G. VCF-style: chr1-247425578-C-G. GRCh37 (hg19) VCF-style: chr1-247588880-C-G.
Other names: c.2129C>G, p.Ser710Cys (NM_001079821.3, NM_001127461.3, NM_001127462.3 and 1 more transcripts); c.2135C>G, p.Ser712Cys (NM_004895.5); short protein forms S712C, S710C.
Identifiers: ClinVar variation 97957 (VCV000097957.1), dbSNP rs180177454, ClinGen allele CA281306.
Genomic context (GRCh38, chr1:247,425,578, plus strand): 5'-AGGAGGAGGAAAAGGAAGGCCGACACCTTGATATGGTGCAGTGTGTCCTCCCAAGCTCCT[C>G]TCATGCTGCCTGTTCTCATGGGTAAGGAAACTCGGCTTCCAGGTGCTTCCTCCTGCTTCC-3'
Protein context (NP_001230062.1, residues 700-720): DMVQCVLPSS[Ser710Cys]HAACSHGLVN